The following is an entry in ClinVar:

NM_000465.4(BARD1):c.941T>C (p.Leu314Ser)

Gene: BARD1 (BRCA1 associated RING domain 1; minus strand). Cytogenetic location: 2q35.
Variant type: single nucleotide variant.
Coding change: c.941T>C on transcript NM_000465.4 (MANE Select); coding-DNA position 941, T replaced by C.
Protein change: p.Leu314Ser; replaces leucine 314 with serine.
Molecular consequence: missense variant. On other transcripts: non-coding transcript variant (2), intron variant (3).
Genome position (GRCh38, 1-based): chr2:214,780,933, A>G on the plus strand (T>C on the coding strand, the complement: BARD1 is on the minus strand). VCF-style: chr2-214780933-A-G. GRCh37 (hg19) VCF-style: chr2-215645657-A-G.
Other names: c.941T>C (NM_000465.2); c.884T>C, p.Leu295Ser (NM_001282543.2); c.159-28378T>C (NM_001282548.2); c.215+16128T>C (NM_001282545.2); c.364+11364T>C (NM_001282549.2); short protein forms L295S, L314S.
Identifiers: ClinVar variation 837136 (VCV000837136.12), dbSNP rs199857391, ClinGen allele CA350454898.

ClinVar aggregate classification (germline): Uncertain significance. Review status: criteria provided, multiple submitters, no conflicts (2 of 4 stars). 3 submissions from 3 submitters: Uncertain significance (3). Last evaluated 2025-05-16.

Conditions:
Familial cancer of breast. Also called: hereditary breast carcinoma; BREAST CANCER, FAMILIAL; Hereditary breast cancer. Identifiers: Orphanet 227535, MedGen C0346153, MONDO:0016419, OMIM 114480. Disease mechanism: loss of function.
Breast and/or ovarian cancer. Identifiers: MedGen CN221562.
Hereditary cancer-predisposing syndrome. Also called: Hereditary neoplastic syndrome; Neoplastic Syndromes, Hereditary; Tumor predisposition; Hereditary Cancer Syndrome. Identifiers: Orphanet 140162, MedGen C0027672, MeSH D009386, MONDO:0015356.

Allele frequency attached by ClinVar (database versions not stated): gnomAD exomes below 0.00001.

Submissions (3):

Ambry Genetics
Classification: Uncertain significance for Hereditary cancer-predisposing syndrome. Last evaluated: 2025-05-16. Review status: criteria provided, single submitter. Criteria: Ambry Variant Classification Scheme 2023. Collection method: clinical testing. Allele origin: germline.
Comment: The p.L314S variant (also known as c.941T>C), located in coding exon 4 of the BARD1 gene, results from a T to C substitution at nucleotide position 941. The leucine at codon 314 is replaced by serine, an amino acid with dissimilar properties. This amino acid position is not well conserved in available vertebrate species. In addition, this alteration is predicted to be tolerated by in silico analysis. Based on the available evidence, the clinical significance of this variant remains unclear.

CHEO Genetics Diagnostic Laboratory, Children's Hospital of Eastern Ontario
Classification: Uncertain significance for Breast and/or ovarian cancer. Last evaluated: 2022-09-29. Review status: criteria provided, single submitter. Criteria: ACMG Guidelines, 2015. Collection method: clinical testing. Allele origin: germline.

Labcorp Genetics (formerly Invitae), Labcorp
Classification: Uncertain significance for Familial cancer of breast. Last evaluated: 2019-02-05. Review status: criteria provided, single submitter. Criteria: Invitae Variant Classification Sherloc (09022015). Collection method: clinical testing. Allele origin: germline.
Comment: This variant has not been reported in the literature in individuals with BARD1-related conditions. In summary, the available evidence is currently insufficient to determine the role of this variant in disease. Therefore, it has been classified as a Variant of Uncertain Significance. Algorithms developed to predict the effect of missense changes on protein structure and function are either unavailable or do not agree on the potential impact of this missense change (SIFT: "Tolerated"; PolyPhen-2: "Possibly Damaging"; Align-GVGD: "Class C0"). This variant is not present in population databases (ExAC no frequency). This sequence change replaces leucine with serine at codon 314 of the BARD1 protein (p.Leu314Ser). The leucine residue is weakly conserved and there is a large physicochemical difference between leucine and serine.